The following is an entry in ClinVar:

ClinVar aggregate classification (germline): Uncertain significance. Review status: criteria provided, multiple submitters, no conflicts (2 of 4 stars). 2 submissions from 2 submitters: Uncertain significance (2). Last evaluated 2024-08-03.

Conditions:
Hereditary cancer-predisposing syndrome. Also called: Neoplastic Syndromes, Hereditary; Tumor predisposition; Hereditary Cancer Syndrome; Hereditary neoplastic syndrome. Identifiers: Orphanet 140162, MedGen C0027672, MeSH D009386, MONDO:0015356.
Hereditary breast ovarian cancer syndrome. Also called: Hereditary breast and ovarian cancer syndrome; Hereditary breast and/or ovarian cancer syndrome; Hereditary breast and ovarian cancer syndrome (HBOC); Breast and ovarian cancer; BRCA1- and BRCA2-Associated Hereditary Breast and Ovarian Cancer; Hereditary breast and ovarian cancer. Identifiers: Orphanet 145, MedGen C0677776, MeSH D061325, MONDO:0003582. Disease mechanism: loss of function.

Submissions (2):

Ambry Genetics
Classification: Uncertain significance for Hereditary cancer-predisposing syndrome. Last evaluated: 2024-08-03. Review status: criteria provided, single submitter. Criteria: Ambry Variant Classification Scheme 2023. Collection method: clinical testing. Allele origin: germline.
Comment: The p.V3240L variant (also known as c.9718G>C), located in coding exon 26 of the BRCA2 gene, results from a G to C substitution at nucleotide position 9718. The valine at codon 3240 is replaced by leucine, an amino acid with highly similar properties. This amino acid position is conserved. In addition, this alteration is predicted to be tolerated by in silico analysis. Based on the available evidence, the clinical significance of this variant remains unclear.

Labcorp Genetics (formerly Invitae), Labcorp
Classification: Uncertain significance for Hereditary breast ovarian cancer syndrome. Last evaluated: 2020-02-11. Review status: criteria provided, single submitter. Criteria: Invitae Variant Classification Sherloc (09022015). Collection method: clinical testing. Allele origin: germline.
Comment: This variant has not been reported in the literature in individuals with BRCA2-related conditions. Algorithms developed to predict the effect of missense changes on protein structure and function output the following: SIFT: "Tolerated"; PolyPhen-2: "Benign"; Align-GVGD: "Class C0". The leucine amino acid residue is found in multiple mammalian species, suggesting that this missense change does not adversely affect protein function. These predictions have not been confirmed by published functional studies and their clinical significance is uncertain. In summary, the available evidence is currently insufficient to determine the role of this variant in disease. Therefore, it has been classified as a Variant of Uncertain Significance. This variant is not present in population databases (ExAC no frequency). This sequence change replaces valine with leucine at codon 3240 of the BRCA2 protein (p.Val3240Leu). The valine residue is weakly conserved and there is a small physicochemical difference between valine and leucine.

NM_000059.4(BRCA2):c.9718G>C (p.Val3240Leu)

Gene: BRCA2 (BRCA2 DNA repair associated; plus strand). Cytogenetic location: 13q13.1.
Variant type: single nucleotide variant.
Coding change: c.9718G>C on transcript NM_000059.4 (MANE Select); coding-DNA position 9718, G replaced by C.
Protein change: p.Val3240Leu; replaces valine 3240 with leucine.
Molecular consequence: missense variant.
Genome position (GRCh38, 1-based): chr13:32,398,231, G>C. VCF-style: chr13-32398231-G-C. GRCh37 (hg19) VCF-style: chr13-32972368-G-C.
Other names: c.9718G>C (NM_000059.3); short protein forms V3240L.
Identifiers: ClinVar variation 1002580 (VCV001002580.12), dbSNP rs80359240, ClinGen allele CA387765466.